The following is an entry in ClinVar:

NM_000059.4(BRCA2):c.10124G>T (p.Ser3375Ile)

Gene: BRCA2 (BRCA2 DNA repair associated; plus strand). Cytogenetic location: 13q13.1.
Variant type: single nucleotide variant.
Coding change: c.10124G>T on transcript NM_000059.4 (MANE Select); coding-DNA position 10124, G replaced by T.
Protein change: p.Ser3375Ile; replaces serine 3375 with isoleucine.
Molecular consequence: missense variant.
Genome position (GRCh38, 1-based): chr13:32,398,637, G>T. VCF-style: chr13-32398637-G-T. GRCh37 (hg19) VCF-style: chr13-32972774-G-T.
Other names: short protein forms S3375I.
Identifiers: ClinVar variation 1382002 (VCV001382002.6), dbSNP rs1060502452, ClinGen allele CA387768074.

ClinVar aggregate classification (germline): Uncertain significance (1 of 4 stars; one submission).

Conditions:
Hereditary breast ovarian cancer syndrome. Also called: Hereditary breast and ovarian cancer syndrome (HBOC); Breast and ovarian cancer; BRCA1- and BRCA2-Associated Hereditary Breast and Ovarian Cancer; Hereditary breast and ovarian cancer; Hereditary breast and ovarian cancer syndrome; Hereditary breast and/or ovarian cancer syndrome. Identifiers: Orphanet 145, MedGen C0677776, MeSH D061325, MONDO:0003582. Disease mechanism: loss of function.

gnomAD v4.1: 1 of 1,614,178 alleles (0.000062%); highest among the groups gnomAD compares: South Asian, 0.0011%; no homozygotes.

Submission:

Labcorp Genetics (formerly Invitae), Labcorp
Classification: Uncertain significance for Hereditary breast ovarian cancer syndrome. Last evaluated: 2021-09-30. Review status: criteria provided, single submitter. Criteria: Invitae Variant Classification Sherloc (09022015). Collection method: clinical testing. Allele origin: germline.
Comment: In summary, the available evidence is currently insufficient to determine the role of this variant in disease. Therefore, it has been classified as a Variant of Uncertain Significance. Advanced modeling of protein sequence and biophysical properties (such as structural, functional, and spatial information, amino acid conservation, physicochemical variation, residue mobility, and thermodynamic stability) performed at Invitae indicates that this missense variant is not expected to disrupt BRCA2 protein function. This variant has not been reported in the literature in individuals affected with BRCA2-related conditions. This variant is not present in population databases (ExAC no frequency). This sequence change replaces serine with isoleucine at codon 3375 of the BRCA2 protein (p.Ser3375Ile). The serine residue is moderately conserved and there is a large physicochemical difference between serine and isoleucine.